The following is an entry in ClinVar:

NM_001378778.1(MPDZ):c.1895G>C (p.Arg632Pro)

Gene: MPDZ (multiple PDZ domain crumbs cell polarity complex component; minus strand). Cytogenetic location: 9p23.
Variant type: single nucleotide variant.
Coding change: c.1895G>C on transcript NM_001378778.1 (MANE Select); coding-DNA position 1895, G replaced by C.
Protein change: p.Arg632Pro; replaces arginine 632 with proline.
Molecular consequence: missense variant.
Genome position (GRCh38, 1-based): chr9:13,192,204, C>G on the plus strand (G>C on the coding strand, the complement: MPDZ is on the minus strand). VCF-style: chr9-13192204-C-G. GRCh37 (hg19) VCF-style: chr9-13192203-C-G.
Other names: c.1895G>C (NM_003829.3); c.1895G>C, p.Arg632Pro (NM_001261406.2, NM_001261407.2, NM_001330637.2 and 14 more transcripts); short protein forms R632P.
Identifiers: ClinVar variation 1466900 (VCV001466900.7), dbSNP rs950413889, ClinGen allele CA189287689.

ClinVar aggregate classification (germline): Uncertain significance. Review status: criteria provided, multiple submitters, no conflicts (2 of 4 stars). 2 submissions from 2 submitters: Uncertain significance (2). Last evaluated 2025-05-15.

Conditions:
Inborn genetic diseases. Identifiers: MedGen C0950123, MeSH D030342.

gnomAD v4.1: 2 of 1,610,672 alleles (0.00012%); highest among the groups gnomAD compares: Non-Finnish European, 0.00017%; no homozygotes.

Submissions (2):

Ambry Genetics
Classification: Uncertain significance for Inborn genetic diseases. Last evaluated: 2025-05-15. Review status: criteria provided, single submitter. Criteria: Ambry Variant Classification Scheme 2023. Collection method: clinical testing. Allele origin: germline.

Labcorp Genetics (formerly Invitae), Labcorp
Classification: Uncertain significance. Last evaluated: 2023-11-27. Review status: criteria provided, single submitter. Criteria: Invitae Variant Classification Sherloc (09022015). Collection method: clinical testing. Allele origin: germline.
Comment: This sequence change replaces arginine, which is basic and polar, with proline, which is neutral and non-polar, at codon 632 of the MPDZ protein (p.Arg632Pro). This variant is not present in population databases (gnomAD no frequency). This variant has not been reported in the literature in individuals affected with MPDZ-related conditions. ClinVar contains an entry for this variant (Variation ID: 1466900). An algorithm developed to predict the effect of missense changes on protein structure and function (PolyPhen-2) suggests that this variant is likely to be disruptive. In summary, the available evidence is currently insufficient to determine the role of this variant in disease. Therefore, it has been classified as a Variant of Uncertain Significance.